The following is an entry in ClinVar:

NM_138694.4(PKHD1):c.5204delinsTGTCTT (p.Arg1735fs)

Genes: PKHD1 (PKHD1 ciliary IPT domain containing fibrocystin/polyductin; minus strand), LOC126859690 (MED14-independent group 3 enhancer GRCh37_chr6:51888848-51890047; plus strand). Cytogenetic location: 6p12.2.
Variant type: Indel.
Coding change: c.5204delinsTGTCTT on transcript NM_138694.4 (MANE Select); coding-DNA position 5204, G replaced by TGTCTT.
Protein change: p.Arg1735fs; shifts the reading frame from arginine 1735.
Molecular consequence: frameshift variant.
Genome position (GRCh38, 1-based): chr6:52,024,606, C replaced by AAGACA on the plus strand (G replaced by TGTCTT on the coding strand, the reverse complement: PKHD1 is on the minus strand). VCF-style: chr6-52024606-C-AAGACA. GRCh37 (hg19) VCF-style: chr6-51889404-C-AAGACA.
Other names: c.5204delinsTGTCTT, p.Arg1735fs (NM_170724.3); short protein forms R1735fs.
Identifiers: ClinVar variation 1724856 (VCV001724856.2), dbSNP rs2532684600, ClinGen allele CA2580075508.
Genomic context (GRCh38, chr6:52,024,606, plus strand): 5'-AGTGTGCTGTCTTATTTGCTTGACTTACCGAAGTTCTCCGTCACTGCTGTAATAATAACT[C>AAGACA]TTGAGGTGAACACCAGGGCAGATGAGGCCCACCCTCTGATGCAGTCATAGCCTCTGACGT-3'

ClinVar aggregate classification (germline): Likely pathogenic (1 of 4 stars; one submission).

Conditions:
Polycystic kidney disease 4 (PKD4). Also called: POLYCYSTIC KIDNEY AND HEPATIC DISEASE 1; POLYCYSTIC KIDNEY DISEASE, INFANTILE, TYPE I; POLYCYSTIC KIDNEY DISEASE 4 WITH OR WITHOUT POLYCYSTIC LIVER DISEASE; PKD3; Autosomal Recessive Polycystic Kidney Disease – PKHD1. Identifiers: MedGen C4540575, MONDO:0033004, OMIM 263200.

Submission:

Myriad Genetics, Inc.
Classification: Likely pathogenic for Polycystic kidney disease 4. Last evaluated: 2022-03-02. Review status: criteria provided, single submitter. Criteria: Myriad Women's Health Autosomal Recessive and X-Linked Classification Criteria (2021). Collection method: clinical testing. Allele origin: unknown.
Comment: NM_138694.3(PKHD1):c.5204del1ins6(R1735Mfs*3) is expected to be pathogenic in the context of autosomal recessive polycystic kidney disease, PKHD1-related. This variant is predicted to lead to an abnormal or absent protein product due to the creation of a premature termination codon in PKHD1, a gene where loss-of-function variants are known to be pathogenic. Please note: this variant was assessed in the context of healthy population screening.